The following is an entry in ClinVar:

ClinVar aggregate classification (germline): Uncertain significance (1 of 4 stars; one submission).

Conditions:
Hereditary cancer-predisposing syndrome. Also called: Hereditary Cancer Syndrome; Hereditary neoplastic syndrome; Tumor predisposition; Neoplastic Syndromes, Hereditary. Identifiers: Orphanet 140162, MedGen C0027672, MeSH D009386, MONDO:0015356.

Submission:

Ambry Genetics
Classification: Uncertain significance for Hereditary cancer-predisposing syndrome. Last evaluated: 2022-01-19. Review status: criteria provided, single submitter. Criteria: Ambry Variant Classification Scheme 2023. Collection method: clinical testing. Allele origin: germline.
Comment: The p.N804T variant (also known as c.2411A>C), located in coding exon 15 of the APC gene, results from an A to C substitution at nucleotide position 2411. The asparagine at codon 804 is replaced by threonine, an amino acid with similar properties. This amino acid position is conserved. In addition, in silico predictors for this gene do not accurately predict pathogenicity. Since supporting evidence is limited at this time, the clinical significance of this alteration remains unclear.

NM_000038.6(APC):c.2411A>C (p.Asn804Thr)

Gene: APC (APC regulator of Wnt signaling pathway; plus strand). Cytogenetic location: 5q22.2.
Variant type: single nucleotide variant.
Coding change: c.2411A>C on transcript NM_000038.6 (MANE Select); coding-DNA position 2411, A replaced by C.
Protein change: p.Asn804Thr; replaces asparagine 804 with threonine.
Molecular consequence: missense variant.
Genome position (GRCh38, 1-based): chr5:112,838,005, A>C. VCF-style: chr5-112838005-A-C. GRCh37 (hg19) VCF-style: chr5-112173702-A-C.
Other names: c.2411A>C, p.Asn804Thr (NM_001127510.3, NM_001354895.2, NM_001407450.1); c.2357A>C, p.Asn786Thr (NM_001127511.3); c.2465A>C, p.Asn822Thr (NM_001354896.2, NM_001407447.1, NM_001407448.1 and 1 more transcripts); c.2441A>C, p.Asn814Thr (NM_001354897.2); c.2336A>C, p.Asn779Thr (NM_001354898.2); c.2327A>C, p.Asn776Thr (NM_001354899.2); c.2288A>C, p.Asn763Thr (NM_001354900.2); c.2234A>C, p.Asn745Thr (NM_001354901.2, NM_001407453.1); and 11 more; short protein forms N675T, N763T, N776T, N804T, N521T, N678T, N703T, N721T.
Identifiers: ClinVar variation 1790893 (VCV001790893.2), dbSNP rs775727621, ClinGen allele CA16026629.